The following is an entry in ClinVar:

ClinVar aggregate classification (germline): Conflicting classifications of pathogenicity. Review status: criteria provided, conflicting classifications (1 of 4 stars). 7 submissions from 7 submitters: Pathogenic (2); Likely pathogenic (1); Uncertain significance (3). 1 of the submissions does not count toward it. Last evaluated 2025-10-24.

Conditions:
Biotinidase deficiency. Also called: Biotin deficiency; BTD deficiency; Late-onset biotin-responsive multiple carboxylase deficiency. Identifiers: Orphanet 79241, MedGen C0220754, MONDO:0009665, OMIM 253260.

gnomAD v4.1: 8 of 1,614,214 alleles (0.0005%); highest among the groups gnomAD compares: Admixed American, 0.0017%; no homozygotes.

Submissions (7):

Myriad Genetics, Inc.
Classification: Uncertain significance for Biotinidase deficiency. Last evaluated: 2025-10-24. Review status: criteria provided, single submitter. Criteria: Myriad Autosomal Dominant, Autosomal Recessive and X-Linked Classification Criteria (2023). Collection method: clinical testing. Allele origin: unknown.
Comment: NM_000060.2(BTD):c.245C>T(A82V) is a missense variant classified as a variant of uncertain significance in the context of biotinidase deficiency. A82V has been observed in a case with relevant disease (PMID: 26810761). Relevant functional assessments of this variant are not available in the literature. A82V has been observed in referenced population frequency databases. In summary, there is insufficient evidence to classify NM_000060.2(BTD):c.245C>T(A82V) as pathogenic or benign. Please note: this variant was assessed in the context of healthy population screening.

Women's Health and Genetics/Laboratory Corporation of America, LabCorp
Classification: Uncertain significance. Last evaluated: 2025-09-19. Review status: criteria provided, single submitter. Criteria: LabCorp Variant Classification Summary - May 2015. Collection method: clinical testing. Allele origin: germline.
Comment: Variant summary: BTD c.185C>T (p.Ala62Val) results in a non-conservative amino acid change in the encoded protein sequence. Algorithms developed to predict the effect of missense changes on protein structure and function all suggest that this variant is likely to be disruptive. The variant allele was found at a frequency of 8e-06 in 251408 control chromosomes. The available data on variant occurrences in the general population are insufficient to allow any conclusion about variant significance. c.185C>T has been reported in the literature at a compound heterozygous state along with a pathogenic missense in at-least one individual affected with Biotinidase Deficiency (example, Procter_2016). These data do not allow any conclusion about variant significance. To our knowledge, no experimental evidence demonstrating an impact on protein function has been reported. Additionally, at least two variants at the Ala62 residue have been reported as DM in HGMD (p.A62D and p.A62G), suggesting that this codon might be functionally important. However, further evidence is needed to validate the pathogenicity of those two variants. The following publication have been ascertained in the context of this evaluation (PMID: 26810761). ClinVar contains an entry for this variant (Variation ID: 24989). Based on the evidence outlined above, the variant was classified as uncertain significance.

Labcorp Genetics (formerly Invitae), Labcorp
Classification: Pathogenic for Biotinidase deficiency. Last evaluated: 2025-05-08. Review status: criteria provided, single submitter. Criteria: Invitae Variant Classification Sherloc (09022015). Collection method: clinical testing. Allele origin: germline.
Comment: This sequence change replaces alanine, which is neutral and non-polar, with valine, which is neutral and non-polar, at codon 82 of the BTD protein (p.Ala82Val). This variant is present in population databases (rs397507171, gnomAD 0.003%). This missense change has been observed in individual(s) with biotinidase deficiency (PMID: 26810761). ClinVar contains an entry for this variant (Variation ID: 24989). Invitae Evidence Modeling of protein sequence and biophysical properties (such as structural, functional, and spatial information, amino acid conservation, physicochemical variation, residue mobility, and thermodynamic stability) indicates that this missense variant is expected to disrupt BTD protein function with a positive predictive value of 95%. This variant disrupts the p.Ala82 amino acid residue in BTD. Other variant(s) that disrupt this residue have been observed in individuals with BTD-related conditions (PMID: 29995633), which suggests that this may be a clinically significant amino acid residue. For these reasons, this variant has been classified as Pathogenic.

Fulgent Genetics
Classification: Likely pathogenic for Biotinidase deficiency. Last evaluated: 2024-03-15. Review status: criteria provided, single submitter. Criteria: ACMG Guidelines, 2015. Collection method: clinical testing. Allele origin: germline.

Quest Diagnostics Nichols Institute San Juan Capistrano
Classification: Uncertain significance. Last evaluated: 2021-05-20. Review status: criteria provided, single submitter. Criteria: Quest Diagnostics criteria. Collection method: clinical testing. Allele origin: unknown.

CeGaT Center for Human Genetics Tuebingen
Classification: Pathogenic. Last evaluated: 2020-02-01. Review status: criteria provided, single submitter. Criteria: CeGaT Center For Human Genetics Tuebingen Variant Classification Criteria Version 2. Collection method: clinical testing. Allele origin: germline. Affected: yes. Observed: 1 variant allele.

Counsyl
Classification: Uncertain significance for Biotinidase deficiency. Last evaluated: 2018-03-23. Review status: no assertion criteria provided. Collection method: clinical testing. Allele origin: unknown. Not counted in ClinVar's aggregate classification.

Literature cited by the submitters: PubMed 26810761 (cited by 5 submitters); PubMed 29995633 (cited by Labcorp Genetics (formerly Invitae), Labcorp).

NM_001370658.1(BTD):c.185C>T (p.Ala62Val)

Gene: BTD (biotinidase; plus strand). Cytogenetic location: 3p25.1.
Variant type: single nucleotide variant.
Coding change: c.185C>T on transcript NM_001370658.1 (MANE Select); coding-DNA position 185, C replaced by T.
Protein change: p.Ala62Val; replaces alanine 62 with valine.
Molecular consequence: missense variant.
Genome position (GRCh38, 1-based): chr3:15,635,624, C>T. VCF-style: chr3-15635624-C-T. GRCh37 (hg19) VCF-style: chr3-15677131-C-T.
Other names: c.245C>T, p.Ala82Val (NM_000060.4); c.185C>T, p.Ala62Val (NM_001281723.4, NM_001281724.3, NM_001281725.3 and 37 more transcripts); short protein forms A62V.
Identifiers: ClinVar variation 24989 (VCV000024989.55), dbSNP rs397507171, ClinGen allele CA278170.
Genomic context (GRCh38, chr3:15,635,624, plus strand): 5'-TGTATGAGCATCCATCCATCCTGAGTCTGAACCCTCTGGCTCTCATCAGCCGCCAAGAGG[C>T]CTTGGAGCTCATGAACCAGAACCTTGACATCTATGAACAGCAAGTGATGACTGCAGCCCA-3'
Protein context (NP_001357587.1, residues 52-72): NPLALISRQE[Ala62Val]LELMNQNLDI